The following is an entry in ClinVar:

NM_018136.5(ASPM):c.4707C>A (p.Tyr1569Ter)

Gene: ASPM (assembly factor for spindle microtubules; minus strand). Cytogenetic location: 1q31.3.
Variant type: single nucleotide variant.
Coding change: c.4707C>A on transcript NM_018136.5 (MANE Select); coding-DNA position 4707, C replaced by A.
Protein change: p.Tyr1569Ter; replaces tyrosine 1569 with a stop codon.
Molecular consequence: nonsense. On other transcripts: intron variant (1).
Genome position (GRCh38, 1-based): chr1:197,104,544, G>T on the plus strand (C>A on the coding strand, the complement: ASPM is on the minus strand). VCF-style: chr1-197104544-G-T. GRCh37 (hg19) VCF-style: chr1-197073674-G-T.
Other names: c.4066-8380C>A (NM_001206846.2); short protein forms Y1569*.
Identifiers: ClinVar variation 1456095 (VCV001456095.6), dbSNP rs1657341426, ClinGen allele CA344029062.

ClinVar aggregate classification (germline): Pathogenic/Likely pathogenic. Review status: criteria provided, multiple submitters, no conflicts (2 of 4 stars). 2 submissions from 2 submitters: Pathogenic (1); Likely pathogenic (1). Last evaluated 2022-10-17.

Conditions:
Microcephaly 5, primary, autosomal recessive (MCPH5). Also called: ASPM Primary Microcephaly. Identifiers: Orphanet 2512, MedGen C1837501, MONDO:0012106, OMIM 608716.

Allele frequency attached by ClinVar (database versions not stated): TOPMed below 0.00001; gnomAD 0.00001; gnomAD exomes 0.00001.
gnomAD v4.1: 4 of 1,612,540 alleles (0.00025%); highest among the groups gnomAD compares: Non-Finnish European, 0.00034%; no homozygotes.

Submissions (2):

Labcorp Genetics (formerly Invitae), Labcorp
Classification: Pathogenic. Last evaluated: 2022-10-17. Review status: criteria provided, single submitter. Criteria: Invitae Variant Classification Sherloc (09022015). Collection method: clinical testing. Allele origin: germline.
Comment: For these reasons, this variant has been classified as Pathogenic. ClinVar contains an entry for this variant (Variation ID: 1456095). This variant has not been reported in the literature in individuals affected with ASPM-related conditions. This variant is not present in population databases (gnomAD no frequency). This sequence change creates a premature translational stop signal (p.Tyr1569*) in the ASPM gene. It is expected to result in an absent or disrupted protein product. Loss-of-function variants in ASPM are known to be pathogenic (PMID: 19028728, 23611254).

Neuberg Centre For Genomic Medicine, NCGM
Classification: Likely pathogenic for Microcephaly 5, primary, autosomal recessive. Review status: criteria provided, single submitter. Criteria: ACMG Guidelines, 2015. Collection method: clinical testing. Allele origin: germline. Inheritance: Autosomal recessive inheritance. Affected: yes.

Literature cited by the submitters: PubMed 19028728 (cited by Labcorp Genetics (formerly Invitae), Labcorp); PubMed 23611254 (cited by Labcorp Genetics (formerly Invitae), Labcorp).